The following is an entry in ClinVar:

NM_182961.4(SYNE1):c.6680T>A (p.Leu2227Gln)

Gene: SYNE1 (spectrin repeat containing nuclear envelope protein 1; minus strand). Cytogenetic location: 6q25.2.
Variant type: single nucleotide variant.
Coding change: c.6680T>A on transcript NM_182961.4 (MANE Select); coding-DNA position 6680, T replaced by A.
Protein change: p.Leu2227Gln; replaces leucine 2227 with glutamine.
Molecular consequence: missense variant.
Genome position (GRCh38, 1-based): chr6:152,407,057, A>T on the plus strand (T>A on the coding strand, the complement: SYNE1 is on the minus strand). VCF-style: chr6-152407057-A-T. GRCh37 (hg19) VCF-style: chr6-152728192-A-T.
Other names: c.6701T>A, p.Leu2234Gln (NM_033071.5); short protein forms L2227Q, L2234Q.
Identifiers: ClinVar variation 2951824 (VCV002951824.3), dbSNP rs2495320952, ClinGen allele CA366123572.
Genomic context (GRCh38, chr6:152,407,057, plus strand): 5'-CAACACAGTCAATTTACCTCAAATTCTTTAAGCAGTTCTTCAGCTCTGAGGTGGTTATCC[A>T]GGTTGCTGATGTTTTCTGCCATCTGTGGAACGCAGTTGTTTGACCATCCCTCAATCTCAT-3'
Protein context (NP_892006.3, residues 2217-2237): VPQMAENISN[Leu2227Gln]DNHLRAEELL

ClinVar aggregate classification (germline): Uncertain significance (1 of 4 stars; one submission).

Conditions:
Emery-Dreifuss muscular dystrophy 4, autosomal dominant (EDMD4). Also called: EMERY-DREIFUSS MUSCULAR DYSTROPHY 4 WITH VARIABLE FEATURES. Identifiers: Orphanet 261, MedGen C2751807, MONDO:0013071, OMIM 612998.
Autosomal recessive ataxia, Beauce type. Also called: SYNE1-Related Autosomal Recessive Cerebellar Ataxia; SYNE1 Deficiency; Spinocerebellar ataxia, autosomal recessive 8; ATAXIA, RECESSIVE, OF BEAUCE. Identifiers: Orphanet 88644, MedGen C1853116, MONDO:0012549, OMIM 610743.

Submission:

Labcorp Genetics (formerly Invitae), Labcorp
Classification: Uncertain significance for Emery-Dreifuss muscular dystrophy 4, autosomal dominant; Autosomal recessive ataxia, Beauce type. Last evaluated: 2025-06-09. Review status: criteria provided, single submitter. Criteria: Invitae Variant Classification Sherloc (09022015). Collection method: clinical testing. Allele origin: germline.
Comment: This sequence change replaces leucine, which is neutral and non-polar, with glutamine, which is neutral and polar, at codon 2234 of the SYNE1 protein (p.Leu2234Gln). This variant is not present in population databases (gnomAD no frequency). This variant has not been reported in the literature in individuals affected with SYNE1-related conditions. ClinVar contains an entry for this variant (Variation ID: 2951824). An algorithm developed to predict the effect of missense changes on protein structure and function (PolyPhen-2) suggests that this variant is likely to be disruptive. In summary, the available evidence is currently insufficient to determine the role of this variant in disease. Therefore, it has been classified as a Variant of Uncertain Significance.